The following is an entry in ClinVar:

NM_032444.4(SLX4):c.3913G>A (p.Ala1305Thr)

Gene: SLX4 (SLX4 structure-specific endonuclease subunit; minus strand). Cytogenetic location: 16p13.3.
Variant type: single nucleotide variant.
Coding change: c.3913G>A on transcript NM_032444.4 (MANE Select); coding-DNA position 3913, G replaced by A.
Protein change: p.Ala1305Thr; replaces alanine 1305 with threonine.
Molecular consequence: missense variant.
Genome position (GRCh38, 1-based): chr16:3,589,725, C>T on the plus strand (G>A on the coding strand, the complement: SLX4 is on the minus strand). VCF-style: chr16-3589725-C-T. GRCh37 (hg19) VCF-style: chr16-3639726-C-T.
Other names: c.3913G>A (LRG_503t1, NM_032444.3); short protein forms A1305T.
Identifiers: ClinVar variation 319155 (VCV000319155.13), dbSNP rs763524714, ClinGen allele CA7865790.

ClinVar aggregate classification (germline): Uncertain significance. Review status: criteria provided, multiple submitters, no conflicts (2 of 4 stars). 3 submissions from 3 submitters: Uncertain significance (3). Last evaluated 2026-09-08.

Conditions:
SLX4-related disorder. Also called: SLX4-related condition.
Fanconi anemia complementation group P. Also called: SLX4-Related Fanconi Anemia. Identifiers: Orphanet 84, MedGen C3469542, MONDO:0013499, OMIM 613951.
Fanconi anemia (FA). Also called: Fanconi's anemia. Identifiers: Orphanet 84, MedGen C0015625, MeSH D005199, MONDO:0019391.

Allele frequency attached by ClinVar (database versions not stated): TOPMed 0.00001; gnomAD 0.00002 and 0.00003; gnomAD exomes 0.00005; ExAC 0.00006.
gnomAD v4.1: 67 of 1,613,736 alleles (0.0042%); highest among the groups gnomAD compares: South Asian, 0.051%; no homozygotes.

Submissions (3):

PreventionGenetics, part of Exact Sciences
Classification: Uncertain significance for SLX4-related condition. Last evaluated: 2026-09-08. Review status: criteria provided, single submitter. Criteria: ACMG Guidelines, 2015. Collection method: clinical testing. Allele origin: germline.
Comment: The SLX4 c.3913G>A variant is predicted to result in the amino acid substitution p.Ala1305Thr. To our knowledge, this variant has not been reported in the literature. This variant is reported in 0.033% of alleles in individuals of South Asian descent in gnomAD and is interpreted as variant of uncertain significance in ClinVar (Variation ID: 319155). At this time, the clinical significance of this variant is uncertain due to the absence of conclusive functional and genetic evidence.

Labcorp Genetics (formerly Invitae), Labcorp
Classification: Uncertain significance for Fanconi anemia. Last evaluated: 2023-12-19. Review status: criteria provided, single submitter. Criteria: Invitae Variant Classification Sherloc (09022015). Collection method: clinical testing. Allele origin: germline.
Comment: This sequence change replaces alanine, which is neutral and non-polar, with threonine, which is neutral and polar, at codon 1305 of the SLX4 protein (p.Ala1305Thr). This variant is present in population databases (rs763524714, gnomAD 0.03%). This variant has not been reported in the literature in individuals affected with SLX4-related conditions. ClinVar contains an entry for this variant (Variation ID: 319155). Algorithms developed to predict the effect of missense changes on protein structure and function output the following: SIFT: "Not Available"; PolyPhen-2: "Benign"; Align-GVGD: "Not Available". The threonine amino acid residue is found in multiple mammalian species, which suggests that this missense change does not adversely affect protein function. In summary, the available evidence is currently insufficient to determine the role of this variant in disease. Therefore, it has been classified as a Variant of Uncertain Significance.

Illumina Laboratory Services, Illumina
Classification: Uncertain significance for Fanconi anemia complementation group P. Last evaluated: 2018-01-12. Review status: criteria provided, single submitter. Criteria: ICSL Variant Classification Criteria 13 December 2019. Collection method: clinical testing. Allele origin: germline.